The following is an entry in ClinVar:

NM_000179.3(MSH6):c.3964_3980dup (p.Asn1327delinsLysAsnLeuArgArgTer)

Gene: MSH6 (mutS homolog 6; plus strand). Cytogenetic location: 2p16.3.
Variant type: Duplication.
Coding change: c.3964_3980dup on transcript NM_000179.3 (MANE Select); coding-DNA positions 3964 to 3980, 17 bases duplicated (GAATTTGAGAAGATGAA).
Protein change: p.Asn1327delinsLysAsnLeuArgArgTer.
Molecular consequence: nonsense.
Genome position (GRCh38, 1-based): chr2:47,806,614-47,806,630, GAATTTGAGAAGATGAA duplicated; duplicating any 17 consecutive bases within chr2:47,806,613-47,806,630 gives the same sequence; the c. name uses the placement nearest the transcript's 3' end. VCF-style (leftmost placement, unchanged base first): chr2-47806612-G-GAGAATTTGAGAAGATGA. GRCh37 (hg19) VCF-style: chr2-48033751-G-GAGAATTTGAGAAGATGA.
Other names: c.3574_3590dup, p.Asn1197delinsLysAsnLeuArgArgTer (NM_001281492.2); c.3058_3074dup, p.Asn1025delinsLysAsnLeuArgArgTer (NM_001281493.2, NM_001281494.2).
Identifiers: ClinVar variation 1070916 (VCV001070916.11), dbSNP rs2104565388, ClinGen allele CA2499216146.
Genomic context (GRCh38, chr2:47,806,612, plus strand): 5'-ATGCAGCAAGGCTTGCTAATCTCCCAGAGGAAGTTATTCAAAAGGGACATAGAAAAGCAA[G>GAGAATTTGAGAAGATGA]AGAATTTGAGAAGATGAATCAGTCACTACGATTATTTCGGTAACTAACTAACTATAATGG-3'

ClinVar aggregate classification (germline): Pathogenic/Likely pathogenic. Review status: criteria provided, multiple submitters, no conflicts (2 of 4 stars). 2 submissions from 2 submitters: Pathogenic (1); Likely pathogenic (1). Last evaluated 2026-06-04.

Conditions:
Hereditary nonpolyposis colorectal neoplasms. Identifiers: MedGen C0009405, MeSH D003123.
Lynch syndrome 5 (LYNCH5). Also called: Hereditary non-polyposis colorectal cancer, type 5; Colorectal cancer, hereditary nonpolyposis, type 5. Identifiers: Orphanet 144, MedGen C1833477, MONDO:0013710, OMIM 614350. Disease mechanism: loss of function.

Submissions (2):

Myriad Genetics, Inc.
Classification: Likely pathogenic for Lynch syndrome 5. Last evaluated: 2026-06-04. Review status: criteria provided, single submitter. Criteria: Myriad Autosomal Dominant, Autosomal Recessive and X-Linked Classification Criteria (2023). Collection method: clinical testing. Allele origin: unknown.
Comment: This variant is considered likely pathogenic. This variant creates a frameshift predicted to result in premature protein truncation.

Labcorp Genetics (formerly Invitae), Labcorp
Classification: Pathogenic for Hereditary nonpolyposis colorectal neoplasms. Last evaluated: 2020-02-20. Review status: criteria provided, single submitter. Criteria: Invitae Variant Classification Sherloc (09022015). Collection method: clinical testing. Allele origin: germline.
Comment: This sequence change results in a premature translational stop signal in the MSH6 gene (p.Asn1327Lysfs*6). While this is not anticipated to result in nonsense mediated decay, it is expected to disrupt the last 34 amino acids of the MSH6 protein. This variant is not present in population databases (ExAC no frequency). This variant has not been reported in the literature in individuals with MSH6-related conditions. This variant disrupts the C-terminus of the MSH6 protein. Other variant(s) that disrupt this region (p.Leu1330Valfs*12) have been determined to be pathogenic (PMID: 14520694, 15236168, 16237223). This suggests that variants that disrupt this region of the protein are likely to be causative of disease. For these reasons, this variant has been classified as Pathogenic.

Literature cited by the submitters: PubMed 14520694 (cited by Labcorp Genetics (formerly Invitae), Labcorp); PubMed 15236168 (cited by Labcorp Genetics (formerly Invitae), Labcorp); PubMed 16237223 (cited by Labcorp Genetics (formerly Invitae), Labcorp).